The following is an entry in ClinVar:

NM_000188.3(HK1):c.2403G>C (p.Arg801=)

Gene: HK1 (hexokinase 1; plus strand). Cytogenetic location: 10q22.1.
Variant type: single nucleotide variant.
Coding change: c.2403G>C on transcript NM_000188.3 (MANE Select); coding-DNA position 2403, G replaced by C.
Protein change: p.Arg801=; no amino-acid change (arginine 801 retained).
Molecular consequence: synonymous variant.
Genome position (GRCh38, 1-based): chr10:69,398,622, G>C. VCF-style: chr10-69398622-G-C. GRCh37 (hg19) VCF-style: chr10-71158378-G-C.
Other names: c.2415G>C, p.Arg805= (NM_001322364.2, NM_001358263.1, NM_033497.3 and 1 more transcripts); c.2508G>C, p.Arg836= (NM_001322365.2); c.2319G>C, p.Arg773= (NM_001322366.1); c.2307G>C, p.Arg769= (NM_001322367.1); c.2400G>C, p.Arg800= (NM_033496.3); c.2367G>C, p.Arg789= (NM_033500.2); c.2403G>C (NM_000188.2).
Identifiers: ClinVar variation 1146270 (VCV001146270.12), dbSNP rs751845366, ClinGen allele CA5532853.

ClinVar aggregate classification (germline): Likely benign. Review status: criteria provided, multiple submitters, no conflicts (2 of 4 stars). 3 submissions from 3 submitters: Likely benign (3). Last evaluated 2025-09-15.

Conditions:
HK1-related disorder. Also called: HK1-related condition; HK1-related disorders.

Allele frequency attached by ClinVar (database versions not stated): ExAC 0.00004; gnomAD 0.00015 and 0.00016; TOPMed 0.00020.
gnomAD v4.1: 29 of 1,613,812 alleles (0.0018%); highest among the groups gnomAD compares: African/African-American, 0.037%; no homozygotes.

Submissions (3):

Labcorp Genetics (formerly Invitae), Labcorp
Classification: Likely benign. Last evaluated: 2025-09-15. Review status: criteria provided, single submitter. Criteria: Invitae Variant Classification Sherloc (09022015). Collection method: clinical testing. Allele origin: germline.

PreventionGenetics, part of Exact Sciences
Classification: Likely benign for HK1-related condition. Last evaluated: 2024-11-26. Review status: criteria provided, single submitter. Criteria: ACMG Guidelines, 2015. Collection method: clinical testing. Allele origin: germline.
Comment: This variant is classified as likely benign based on ACMG/AMP sequence variant interpretation guidelines (Richards et al. 2015 PMID: 25741868, with internal and published modifications).

Blueprint Genetics
Classification: Likely benign. Last evaluated: 2024-02-09. Review status: criteria provided, single submitter. Criteria: ACMG Guidelines, 2015. Collection method: clinical testing. Allele origin: germline.